The following is an entry in ClinVar:

ClinVar aggregate classification (germline): Pathogenic. Review status: criteria provided, multiple submitters, no conflicts (2 of 4 stars). 2 submissions from 2 submitters: Pathogenic (2). Last evaluated 2026-04-08.

Conditions:
Familial cancer of breast. Also called: hereditary breast carcinoma; Hereditary breast cancer; BREAST CANCER, FAMILIAL. Identifiers: Orphanet 227535, MedGen C0346153, MONDO:0016419, OMIM 114480. Disease mechanism: loss of function.

Submissions (2):

Myriad Genetics, Inc.
Classification: Pathogenic for Familial cancer of breast. Last evaluated: 2026-04-08. Review status: criteria provided, single submitter. Criteria: Myriad Autosomal Dominant, Autosomal Recessive and X-Linked Classification Criteria (2023). Collection method: clinical testing. Allele origin: unknown.
Comment: This variant is considered pathogenic. This variant creates a termination codon and is predicted to result in premature protein truncation.

Labcorp Genetics (formerly Invitae), Labcorp
Classification: Pathogenic for Familial cancer of breast. Last evaluated: 2024-05-08. Review status: criteria provided, single submitter. Criteria: Invitae Variant Classification Sherloc (09022015). Collection method: clinical testing. Allele origin: germline.
Comment: This sequence change creates a premature translational stop signal (p.Ile1051*) in the PALB2 gene. It is expected to result in an absent or disrupted protein product. Loss-of-function variants in PALB2 are known to be pathogenic (PMID: 17200668, 17200671, 17200672, 24136930, 25099575). This variant is not present in population databases (gnomAD no frequency). This variant has not been reported in the literature in individuals affected with PALB2-related conditions. For these reasons, this variant has been classified as Pathogenic.

Literature cited by the submitters: PubMed 17200668 (cited by Labcorp Genetics (formerly Invitae), Labcorp); PubMed 17200671 (cited by Labcorp Genetics (formerly Invitae), Labcorp); PubMed 17200672 (cited by Labcorp Genetics (formerly Invitae), Labcorp); PubMed 24136930 (cited by Labcorp Genetics (formerly Invitae), Labcorp); PubMed 25099575 (cited by Labcorp Genetics (formerly Invitae), Labcorp).

NM_024675.4(PALB2):c.3150_3151del (p.His1050_Ile1051insTer)

Gene: PALB2 (partner and localizer of BRCA2; minus strand). Cytogenetic location: 16p12.2.
Variant type: Microsatellite.
Coding change: c.3150_3151del on transcript NM_024675.4 (MANE Select); coding-DNA positions 3150 to 3151, 2 bases deleted (CA; older notation c.3150_3151delCA).
Protein change: p.His1050_Ile1051insTer.
Molecular consequence: frameshift variant. On other transcripts: nonsense (15).
Genome position (GRCh38, 1-based): chr16:23,614,054-23,614,055, TG deleted on the plus strand (CA on the coding strand, the reverse complement: PALB2 is on the minus strand); deleting any 2 consecutive bases within chr16:23,614,054-23,614,057 gives the same sequence; the c. name uses the placement nearest the transcript's 3' end. VCF-style (leftmost placement, unchanged base first): chr16-23614053-ATG-A. GRCh37 (hg19) VCF-style: chr16-23625374-ATG-A.
Other names: c.3088_3089CA[1], p.Ile1031Terfs (NM_001407296.1); c.3076_3077CA[1], p.Ile1027Terfs (NM_001407297.1); c.2986_2987CA[1], p.Ile997Terfs (NM_001407298.1, NM_001407302.1); c.2869_2870CA[1], p.Ile958Terfs (NM_001407300.1); c.3148_3149CA[1], p.Ile1051Terfs (NM_001407301.1); c.2263_2264CA[1], p.Ile756Terfs (NM_001407304.1, NM_001407305.1, NM_001407306.1 and 2 more transcripts); c.2101_2102CA[1], p.Ile702Terfs (NM_001407307.1); c.1360_1361CA[1], p.Ile455Terfs (NM_001407312.1, NM_001407313.1); and 1 more.
Identifiers: ClinVar variation 2032641 (VCV002032641.5), dbSNP rs2506266271, ClinGen allele CA2580613443.